The following is an entry in ClinVar:

ClinVar aggregate classification (germline): Likely pathogenic. Review status: criteria provided, multiple submitters, no conflicts (2 of 4 stars). 3 submissions from 3 submitters: Likely pathogenic (3). Last evaluated 2026-04-14.

Conditions:
Progressive familial intrahepatic cholestasis type 2. Identifiers: Orphanet 79304, MedGen C3489789, MONDO:0011156, OMIM 601847.
Familial intrahepatic cholestasis. Identifiers: Orphanet 284385, MedGen CN296401, MONDO:0017290.

gnomAD v4.1: 2 of 1,613,792 alleles (0.00012%); highest among the groups gnomAD compares: East Asian, 0.0022%; no homozygotes.

Submissions (3):

Genomenon, Inc
Classification: Likely pathogenic for Familial intrahepatic cholestasis. Last evaluated: 2026-04-14. Review status: criteria provided, single submitter. Criteria: Genomenon Sequence Variant Interpretation Standards - Updated. Collection method: curation. Allele origin: germline. Affected: yes.
Comment: ABCB11 p.Ser901Arg (c.2703C>G) is a missense variant that changes the amino acid at residue 901 from Serine to Arginine. This variant has been observed in at least one proband with an ABCB11-related disorder (PMID:28733223;25847299;21219577). The variant was found to segregate with disease in at least one affected family (PMID:21219577). It is absent or not present at a significant frequency in gnomAD. In silico models predict that this variant is possibly or probably damaging. In conclusion, we classify ABCB11 p.Ser901Arg (c.2703C>G) as a likely pathogenic variant.

Natera, Inc.
Classification: Likely pathogenic for Progressive familial intrahepatic cholestasis type 2. Last evaluated: 2026-01-14. Review status: criteria provided, single submitter. Criteria: Natera Variant Classification Schema (03/2026). Collection method: clinical testing. Allele origin: germline.
Comment: The c.2703C>G variant in ABCB11 is a missense variant predicted to cause substitution of serine to arginine at amino acid 901. This variant is rare in the general population with a frequency below the threshold expected for the associated phenotype(s). This variant has been observed in one or more individuals affected with the associated recessive disease, as either homozygous or compound heterozygous with a second variant (PMID: 25847299, 28733223). Computational prediction algorithms indicate this variant is likely to affect gene or protein function. Given the available evidence, this variant is classified as Likely Pathogenic.

Broad Center for Mendelian Genomics, Broad Institute of MIT and Harvard
Classification: Likely pathogenic for Progressive familial intrahepatic cholestasis type 2. Last evaluated: 2025-01-24. Review status: criteria provided, single submitter. Criteria: ACMG Guidelines, 2015. Collection method: curation. Allele origin: germline. Inheritance: Autosomal recessive inheritance.
Comment: The p.Ser901Arg variant in ABCB11 has been reported in 4 individuals with BSEP deficiency (PMID: 21219577, 28733223, doi.org_10.33612_diss.133430251), and has been identified in 0.002% (1/44880) of East Asian chromosomes by the Genome Aggregation Database (gnomAD; dbSNP rs1421685722). Although this variant has been seen in the general population in a heterozygous state, its frequency is low enough to be consistent with a recessive carrier frequency. Of the 4 affected individuals 1 was a compound heterozygote that carried a reported pathogenic variant in trans, which increases the likelihood that the p.Ser901Arg variant is pathogenic (PMID: 28733223, Variation ID: 973516). Computational prediction tools and conservation analyses suggest that this variant may impact the protein, though this information is not predictive enough to determine pathogenicity. One additional likely pathogenic variant, resulting in a different amino acid change at the same position, p.Ser901Ile, has been reported in association with disease in ClinVar, slightly supporting that a change at this position may not be tolerated (Variation ID: 2680951). In summary, although additional studies are required to fully establish its clinical significance, this variant is likely pathogenic for autosomal recessive BSEP deficiency. ACMG/AMP Criteria applied: PM3_strong, PP3_moderate, PM2_supporting, PM5_supporting (Richards 2015).

Literature cited by the submitters: PubMed 28733223 (cited by Genomenon, Inc and Natera, Inc.); PubMed 25847299 (cited by Genomenon, Inc and Natera, Inc.); PubMed 21219577 (cited by Genomenon, Inc).

NM_003742.4(ABCB11):c.2703C>G (p.Ser901Arg)

Genes: ABCB11 (ATP binding cassette subfamily B member 11; minus strand), LOC126806400 (CDK7 strongly-dependent group 2 enhancer GRCh37_chr2:169791870-169793069; plus strand). Cytogenetic location: 2q31.1.
Variant type: single nucleotide variant.
Coding change: c.2703C>G on transcript NM_003742.4 (MANE Select); coding-DNA position 2703, C replaced by G.
Protein change: p.Ser901Arg; replaces serine 901 with arginine.
Molecular consequence: missense variant.
Genome position (GRCh38, 1-based): chr2:168,936,341, G>C on the plus strand (C>G on the coding strand, the complement: ABCB11 is on the minus strand). VCF-style: chr2-168936341-G-C. GRCh37 (hg19) VCF-style: chr2-169792851-G-C.
Other names: NM_003742.4:c.2703C>G; short protein forms S901R.
Identifiers: ClinVar variation 3776846 (VCV003776846.3).